The following is an entry in ClinVar:

ClinVar aggregate classification (germline): Uncertain significance (1 of 4 stars; one submission).

Conditions:
Intellectual disability, autosomal recessive 42 (NEDDSBA). Also called: GLYCOSYLPHOSPHATIDYLINOSITOL BIOSYNTHESIS DEFECT 9; Neurodevelopmental disorder with dysmorphic features, spasticity, and brain abnormalities. Identifiers: Orphanet 88616, MedGen C4014343, MONDO:0014348, OMIM 615802.

Allele frequency attached by ClinVar (database versions not stated): TOPMed below 0.00001; gnomAD exomes 0.00001.
gnomAD v4.1: 7 of 1,510,090 alleles (0.00046%); highest among the groups gnomAD compares: South Asian, 0.0025%; no homozygotes.

Submission:

Labcorp Genetics (formerly Invitae), Labcorp
Classification: Uncertain significance for Intellectual disability, autosomal recessive 42. Last evaluated: 2020-02-15. Review status: criteria provided, single submitter. Criteria: Invitae Variant Classification Sherloc (09022015). Collection method: clinical testing. Allele origin: germline.
Comment: This sequence change replaces tyrosine with cysteine at codon 425 of the PGAP1 protein (p.Tyr425Cys). The tyrosine residue is weakly conserved and there is a large physicochemical difference between tyrosine and cysteine. This variant is not present in population databases (ExAC no frequency). This variant has not been reported in the literature in individuals with PGAP1-related disease. Algorithms developed to predict the effect of missense changes on protein structure and function (SIFT, PolyPhen-2, Align-GVGD) all suggest that this variant is likely to be tolerated, but these predictions have not been confirmed by published functional studies and their clinical significance is uncertain. In summary, the available evidence is currently insufficient to determine the role of this variant in disease. Therefore, it has been classified as a Variant of Uncertain Significance.

NM_024989.4(PGAP1):c.1274A>G (p.Tyr425Cys)

Gene: PGAP1 (post-GPI attachment to proteins inositol deacylase 1; minus strand). Cytogenetic location: 2q33.1.
Variant type: single nucleotide variant.
Coding change: c.1274A>G on transcript NM_024989.4 (MANE Select); coding-DNA position 1274, A replaced by G.
Protein change: p.Tyr425Cys; replaces tyrosine 425 with cysteine.
Molecular consequence: missense variant.
Genome position (GRCh38, 1-based): chr2:196,880,152, T>C on the plus strand (A>G on the coding strand, the complement: PGAP1 is on the minus strand). VCF-style: chr2-196880152-T-C. GRCh37 (hg19) VCF-style: chr2-197744876-T-C.
Other names: c.752A>G, p.Tyr251Cys (NM_001321099.2); c.107A>G, p.Tyr36Cys (NM_001321100.2); short protein forms Y36C, Y425C, Y251C.
Identifiers: ClinVar variation 641567 (VCV000641567.9), dbSNP rs1291611574, ClinGen allele CA350172861.